The following is an entry in ClinVar:

NM_003954.5(MAP3K14):c.334G>A (p.Glu112Lys)

Gene: MAP3K14 (mitogen-activated protein kinase kinase kinase 14; minus strand). Cytogenetic location: 17q21.31.
Variant type: single nucleotide variant.
Coding change: c.334G>A on transcript NM_003954.5 (MANE Select); coding-DNA position 334, G replaced by A.
Protein change: p.Glu112Lys; replaces glutamic acid 112 with lysine.
Molecular consequence: missense variant.
Genome position (GRCh38, 1-based): chr17:45,287,357, C>T on the plus strand (G>A on the coding strand, the complement: MAP3K14 is on the minus strand). VCF-style: chr17-45287357-C-T. GRCh37 (hg19) VCF-style: chr17-43364723-C-T.
Other names: short protein forms E112K.
Identifiers: ClinVar variation 1935307 (VCV001935307.5), dbSNP rs1171650731, ClinGen allele CA399890647.
Genomic context (GRCh38, chr17:45,287,357, plus strand): 5'-CACGGGCCATTTTGCCCTCTGTAGCATGGGCCACATTGTTGGGGATCTGATCAAGACTCT[C>T]GGACTGGCTGTCACAAAAGGGACAGATTTGCATATTGAGCACGAGGAAGCAGGAAGATGG-3'
Protein context (NP_003945.2, residues 102-122): IAGSKQYSQS[Glu112Lys]SLDQIPNNVA

ClinVar aggregate classification (germline): Uncertain significance (1 of 4 stars; one submission).

Conditions:
NIK deficiency. Also called: Primary immunodeficiency with multifaceted aberrant lymphoid immunity. Identifiers: Orphanet 447731, MedGen C5680065, MONDO:0018642.

Allele frequency attached by ClinVar (database versions not stated): TOPMed below 0.00001; gnomAD 0.00001.
gnomAD v4.1: 2 of 1,613,794 alleles (0.00012%); highest among the groups gnomAD compares: Non-Finnish European, 0.00017%; no homozygotes.

Submission:

Labcorp Genetics (formerly Invitae), Labcorp
Classification: Uncertain significance for NIK deficiency. Last evaluated: 2022-02-11. Review status: criteria provided, single submitter. Criteria: Invitae Variant Classification Sherloc (09022015). Collection method: clinical testing. Allele origin: germline.
Comment: In summary, the available evidence is currently insufficient to determine the role of this variant in disease. Therefore, it has been classified as a Variant of Uncertain Significance. This variant is not present in population databases (gnomAD no frequency). This sequence change replaces glutamic acid, which is acidic and polar, with lysine, which is basic and polar, at codon 112 of the MAP3K14 protein (p.Glu112Lys). Experimental studies and prediction algorithms are not available or were not evaluated, and the functional significance of this variant is currently unknown. This variant has not been reported in the literature in individuals affected with MAP3K14-related conditions.